The following is an entry in ClinVar:

ClinVar aggregate classification (germline): Uncertain significance. Review status: criteria provided, multiple submitters, no conflicts (2 of 4 stars). 5 submissions from 5 submitters: Uncertain significance (4). 1 of the submissions does not count toward it. Last evaluated 2026-03-10.

Conditions:
Neuronal ceroid lipofuscinosis. Also called: Neuronal Ceroid Lipofuscinoses. Identifiers: Orphanet 216, Orphanet 79263, MedGen C0027877, MONDO:0016295. Disease mechanism: loss of function.
Neuronal ceroid lipofuscinosis 5 (CLN5). Also called: CLN5-Related Neuronal Ceroid-Lipofuscinosis; CEROID LIPOFUSCINOSIS, NEURONAL, 5, VARIABLE AGE AT ONSET; Neuronal ceroid lipofuscinosis Finnish variant; NEURONAL CEROID LIPOFUSCINOSIS, LATE INFANTILE, FINNISH VARIANT. Identifiers: Orphanet 168491, Orphanet 228360, MedGen C1850442, MONDO:0009745, OMIM 256731.

Allele frequency attached by ClinVar (database versions not stated): TOPMed 0.00002; gnomAD 0.00007 and 0.00001; gnomAD exomes 0.00007 and 0.00021; ExAC 0.00027; 1000 Genomes Project 0.00060; 1000 Genomes Project 30x 0.00078.
gnomAD v4.1: 116 of 1,610,382 alleles (0.0072%); highest among the groups gnomAD compares: South Asian, 0.11%; no homozygotes.

Submissions (5):

Women's Health and Genetics/Laboratory Corporation of America, LabCorp
Classification: Uncertain significance. Last evaluated: 2026-03-10. Review status: criteria provided, single submitter. Criteria: LabCorp Variant Classification Summary - May 2015. Collection method: clinical testing. Allele origin: germline.
Comment: Variant summary: CLN5 c.31G>T (p.Ala11Ser) results in a conservative amino acid change in the encoded protein sequence. Algorithms developed to predict the effect of missense changes on protein structure and function all suggest that this variant is likely to be tolerated. The variant allele was found at a frequency of 0.00021 in 232224 control chromosomes. This frequency is not significantly higher than estimated for disease-causing variants in CLN5, allowing no conclusion about variant significance. To our knowledge, no occurrence of c.31G>T in individuals affected with CLN5-related conditions and no experimental evidence demonstrating its impact on protein function have been reported. ClinVar contains an entry for this variant (Variation ID: 421564). Based on the evidence outlined above, the variant was classified as uncertain significance.

Labcorp Genetics (formerly Invitae), Labcorp
Classification: Uncertain significance for Neuronal ceroid lipofuscinosis. Last evaluated: 2022-10-24. Review status: criteria provided, single submitter. Criteria: Invitae Variant Classification Sherloc (09022015). Collection method: clinical testing. Allele origin: germline.
Comment: This sequence change replaces alanine, which is neutral and non-polar, with serine, which is neutral and polar, at codon 60 of the CLN5 protein (p.Ala60Ser). This variant is present in population databases (rs563306322, gnomAD 0.2%). This variant has not been reported in the literature in individuals affected with CLN5-related conditions. ClinVar contains an entry for this variant (Variation ID: 421564). Advanced modeling of protein sequence and biophysical properties (such as structural, functional, and spatial information, amino acid conservation, physicochemical variation, residue mobility, and thermodynamic stability) performed at Invitae indicates that this missense variant is not expected to disrupt CLN5 protein function. In summary, the available evidence is currently insufficient to determine the role of this variant in disease. Therefore, it has been classified as a Variant of Uncertain Significance.

Genome-Nilou Lab
Classification: Uncertain significance for Neuronal ceroid lipofuscinosis 5. Last evaluated: 2021-09-05. Review status: criteria provided, single submitter. Criteria: ACMG Guidelines, 2015. Collection method: clinical testing. Allele origin: germline. Affected: no.

GeneDx
Classification: Uncertain significance. Last evaluated: 2018-09-25. Review status: criteria provided, single submitter. Criteria: GeneDx Variant Classification (06012015). Collection method: clinical testing. Allele origin: germline. Affected: yes.
Comment: A variant of uncertain significance has been identified in the CLN5 gene. The A60S variant has not been published as a pathogenic variant, nor has it been reported as a benign variant to our knowledge. The A60S variant was not observed in approximately 6,400 individuals of European and African American ancestry in the NHLBI Exome Sequencing Project, but the 1000 Genomes Project reports it was observed in 2/204 (1%) alleles from individuals of Indian Telugu background. The A60S variant is a non-conservative amino acid substitution, which is likely to impact secondary protein structure as these residues differ in polarity, charge, size and/or other properties. However, this substitution occurs at a position that is not conserved. In silico analysis predicts this variant likely does not alter the protein structure/function. Therefore, based on the currently available information, it is unclear whether this variant is a pathogenic variant or a rare benign variant.

Natera, Inc.
Classification: Uncertain significance for Neuronal ceroid lipofuscinosis 5. Last evaluated: 2020-09-16. Review status: no assertion criteria provided. Collection method: clinical testing. Allele origin: germline. Not counted in ClinVar's aggregate classification.

NM_006493.4(CLN5):c.31G>T (p.Ala11Ser)

Genes: CLN5 (CLN5 lysosomal BMP synthase; plus strand), LOC130009913 (ATAC-STARR-seq lymphoblastoid silent region 5414; plus strand). Cytogenetic location: 13q22.3.
Variant type: single nucleotide variant.
Coding change: c.31G>T on transcript NM_006493.4 (MANE Select); coding-DNA position 31, G replaced by T.
Protein change: p.Ala11Ser; replaces alanine 11 with serine.
Molecular consequence: missense variant.
Genome position (GRCh38, 1-based): chr13:76,992,129, G>T. VCF-style: chr13-76992129-G-T. GRCh37 (hg19) VCF-style: chr13-77566264-G-T.
Other names: c.178G>T (LRG_692t1); c.31G>T, p.Ala11Ser (NM_001366624.2); short protein forms A11S.
Identifiers: ClinVar variation 421564 (VCV000421564.10), dbSNP rs563306322, ClinGen allele CA7007109.